The following is an entry in ClinVar:

NM_152468.5(TMC8):c.1649G>A (p.Gly550Asp)

Gene: TMC8 (transmembrane channel like 8; plus strand). Cytogenetic location: 17q25.3.
Variant type: single nucleotide variant.
Coding change: c.1649G>A on transcript NM_152468.5 (MANE Select); coding-DNA position 1649, G replaced by A.
Protein change: p.Gly550Asp; replaces glycine 550 with aspartic acid.
Molecular consequence: missense variant.
Genome position (GRCh38, 1-based): chr17:78,138,464, G>A. VCF-style: chr17-78138464-G-A. GRCh37 (hg19) VCF-style: chr17-76134545-G-A.
Other names: short protein forms G550D.
Identifiers: ClinVar variation 642895 (VCV000642895.10), dbSNP rs1350592733, ClinGen allele CA401251535.

ClinVar aggregate classification (germline): Uncertain significance (1 of 4 stars; one submission).

Conditions:
Epidermodysplasia verruciformis. Identifiers: Orphanet 302, MedGen C0014522, MONDO:0009176.

Allele frequency attached by ClinVar (database versions not stated): gnomAD exomes below 0.00001; TOPMed below 0.00001; gnomAD 0.00001.
gnomAD v4.1: 5 of 1,613,168 alleles (0.00031%); highest among the groups gnomAD compares: East Asian, 0.0022%; no homozygotes.

Submission:

Labcorp Genetics (formerly Invitae), Labcorp
Classification: Uncertain significance for Epidermodysplasia verruciformis. Last evaluated: 2018-07-12. Review status: criteria provided, single submitter. Criteria: Invitae Variant Classification Sherloc (09022015). Collection method: clinical testing. Allele origin: germline.
Comment: In summary, the available evidence is currently insufficient to determine the role of this variant in disease. Therefore, it has been classified as a Variant of Uncertain Significance. Algorithms developed to predict the effect of missense changes on protein structure and function are either unavailable or do not agree on the potential impact of this missense change (SIFT: "Tolerated"; PolyPhen-2: "Possibly Damaging"; Align-GVGD: "Class C0"). This variant has not been reported in the literature in individuals with TMC8-related disease. This variant is not present in population databases (ExAC no frequency). This sequence change replaces glycine with aspartic acid at codon 550 of the TMC8 protein (p.Gly550Asp). The glycine residue is moderately conserved and there is a moderate physicochemical difference between glycine and aspartic acid.